The following is an entry in ClinVar:

ClinVar aggregate classification (germline): Uncertain significance (1 of 4 stars; one submission).

Allele frequency attached by ClinVar (database versions not stated): gnomAD exomes below 0.00001.
gnomAD v4.1: 1 of 1,614,178 alleles (0.000062%); highest among the groups gnomAD compares: Middle Eastern, 0.016%; no homozygotes.

Submission:

Labcorp Genetics (formerly Invitae), Labcorp
Classification: Uncertain significance. Last evaluated: 2023-10-29. Review status: criteria provided, single submitter. Criteria: Invitae Variant Classification Sherloc (09022015). Collection method: clinical testing. Allele origin: germline.
Comment: This sequence change replaces glutamic acid, which is acidic and polar, with glycine, which is neutral and non-polar, at codon 794 of the KCNQ5 protein (p.Glu794Gly). This variant is not present in population databases (gnomAD no frequency). This variant has not been reported in the literature in individuals affected with KCNQ5-related conditions. Advanced modeling of protein sequence and biophysical properties (such as structural, functional, and spatial information, amino acid conservation, physicochemical variation, residue mobility, and thermodynamic stability) performed at Invitae indicates that this missense variant is not expected to disrupt KCNQ5 protein function with a negative predictive value of 95%. In summary, the available evidence is currently insufficient to determine the role of this variant in disease. Therefore, it has been classified as a Variant of Uncertain Significance.

NM_019842.4(KCNQ5):c.2324A>G (p.Glu775Gly)

Gene: KCNQ5 (potassium voltage-gated channel subfamily Q member 5; plus strand). Cytogenetic location: 6q13.
Variant type: single nucleotide variant.
Coding change: c.2324A>G on transcript NM_019842.4 (MANE Select); coding-DNA position 2324, A replaced by G.
Protein change: p.Glu775Gly; replaces glutamic acid 775 with glycine.
Molecular consequence: missense variant.
Genome position (GRCh38, 1-based): chr6:73,194,939, A>G. VCF-style: chr6-73194939-A-G. GRCh37 (hg19) VCF-style: chr6-73904662-A-G.
Other names: c.2297A>G, p.Glu766Gly (NM_001160130.2); c.2354A>G, p.Glu785Gly (NM_001160132.2); c.2381A>G, p.Glu794Gly (NM_001160133.2); c.1994A>G, p.Glu665Gly (NM_001160134.2); short protein forms E665G, E785G, E794G, E775G, E766G.
Identifiers: ClinVar variation 3008378 (VCV003008378.3), dbSNP rs2533931702, ClinGen allele CA364695717.